The following is an entry in ClinVar:

ClinVar aggregate classification (germline): Uncertain significance (1 of 4 stars; one submission).

gnomAD v4.1: 2 of 1,613,968 alleles (0.00012%); highest among the groups gnomAD compares: Non-Finnish European, 0.00017%; no homozygotes.

Submission:

Labcorp Genetics (formerly Invitae), Labcorp
Classification: Uncertain significance. Last evaluated: 2024-05-16. Review status: criteria provided, single submitter. Criteria: Invitae Variant Classification Sherloc (09022015). Collection method: clinical testing. Allele origin: germline.
Comment: This sequence change replaces glycine, which is neutral and non-polar, with aspartic acid, which is acidic and polar, at codon 3052 of the FAT2 protein (p.Gly3052Asp). This variant is not present in population databases (gnomAD no frequency). This variant has not been reported in the literature in individuals affected with FAT2-related conditions. Advanced modeling of protein sequence and biophysical properties (such as structural, functional, and spatial information, amino acid conservation, physicochemical variation, residue mobility, and thermodynamic stability) performed at Invitae indicates that this missense variant is not expected to disrupt FAT2 protein function with a negative predictive value of 80%. In summary, the available evidence is currently insufficient to determine the role of this variant in disease. Therefore, it has been classified as a Variant of Uncertain Significance.

NM_001447.3(FAT2):c.9155G>A (p.Gly3052Asp)

Genes: FAT2 (FAT atypical cadherin 2; minus strand), SLC36A1 (solute carrier family 36 member 1; plus strand). Cytogenetic location: 5q33.1.
Variant type: single nucleotide variant.
Coding change: c.9155G>A on transcript NM_001447.3 (MANE Select); coding-DNA position 9155, G replaced by A.
Protein change: p.Gly3052Asp; replaces glycine 3052 with aspartic acid.
Molecular consequence: missense variant.
Genome position (GRCh38, 1-based): chr5:151,537,831, C>T on the plus strand (G>A on the coding strand, the complement: FAT2 is on the minus strand). VCF-style: chr5-151537831-C-T. GRCh37 (hg19) VCF-style: chr5-150917392-C-T.
Other names: short protein forms G3052D.
Identifiers: ClinVar variation 3612007 (VCV003612007.2).